The following is an entry in ClinVar:

NM_000368.5(TSC1):c.1998-4C>T

Gene: TSC1 (TSC complex subunit 1; minus strand). Cytogenetic location: 9q34.13.
Variant type: single nucleotide variant.
Coding change: c.1998-4C>T on transcript NM_000368.5 (MANE Select); 4 bases into the intron before coding-DNA position 1998, C replaced by T.
Molecular consequence: intron variant.
Genome position (GRCh38, 1-based): chr9:132,904,458, G>A on the plus strand (C>T on the coding strand, the complement: TSC1 is on the minus strand). VCF-style: chr9-132904458-G-A. GRCh37 (hg19) VCF-style: chr9-135779845-G-A.
Other names: c.1635-4C>T (NM_001362177.2); c.1845-4C>T (NM_001162427.2); c.1995-4C>T (NM_001162426.2).
Identifiers: ClinVar variation 702906 (VCV000702906.11), dbSNP rs1179883422, ClinGen allele CA860672333.

ClinVar aggregate classification (germline): Likely benign. Review status: criteria provided, multiple submitters, no conflicts (2 of 4 stars). 3 submissions from 3 submitters: Likely benign (3). Last evaluated 2025-05-16.

Conditions:
Hereditary cancer-predisposing syndrome. Also called: Tumor predisposition; Hereditary neoplastic syndrome; Neoplastic Syndromes, Hereditary; Hereditary Cancer Syndrome. Identifiers: Orphanet 140162, MedGen C0027672, MeSH D009386, MONDO:0015356.
Tuberous sclerosis 1 (TSC1). Identifiers: Orphanet 805, MedGen C1854465, MONDO:0008612, OMIM 191100.

Allele frequency attached by ClinVar (database versions not stated): gnomAD exomes below 0.00001; TOPMed below 0.00001; gnomAD 0.00001.
gnomAD v4.1: 5 of 1,613,776 alleles (0.00031%); highest among the groups gnomAD compares: Admixed American, 0.0017%; no homozygotes.

Submissions (3):

Ambry Genetics
Classification: Likely benign for Hereditary cancer-predisposing syndrome. Last evaluated: 2025-05-16. Review status: criteria provided, single submitter. Criteria: Ambry Variant Classification Scheme 2023. Collection method: clinical testing. Allele origin: germline.

Myriad Genetics, Inc.
Classification: Likely benign for Tuberous sclerosis 1. Last evaluated: 2025-04-24. Review status: criteria provided, single submitter. Criteria: Myriad Autosomal Dominant, Autosomal Recessive and X-Linked Classification Criteria (2023). Collection method: clinical testing. Allele origin: unknown.
Comment: This variant is considered likely benign. This variant is intronic and is not expected to impact mRNA splicing.

Labcorp Genetics (formerly Invitae), Labcorp
Classification: Likely benign for Tuberous sclerosis 1. Last evaluated: 2024-11-13. Review status: criteria provided, single submitter. Criteria: Invitae Variant Classification Sherloc (09022015). Collection method: clinical testing. Allele origin: germline.